The following is an entry in ClinVar:

NM_001270974.2(HYDIN):c.14857C>T (p.Arg4953Trp)

Gene: HYDIN (HYDIN axonemal central pair apparatus protein; minus strand). Cytogenetic location: 16q22.2.
Variant type: single nucleotide variant.
Coding change: c.14857C>T on transcript NM_001270974.2 (MANE Select); coding-DNA position 14857, C replaced by T.
Protein change: p.Arg4953Trp; replaces arginine 4953 with tryptophan.
Molecular consequence: missense variant.
Genome position (GRCh38, 1-based): chr16:70,809,809, G>A on the plus strand (C>T on the coding strand, the complement: HYDIN is on the minus strand). VCF-style: chr16-70809809-G-A. GRCh37 (hg19) VCF-style: chr16-70843712-G-A.
Other names: short protein forms R4953W.
Identifiers: ClinVar variation 445775 (VCV000445775.48), dbSNP rs79607350, ClinGen allele CA8148356.

ClinVar aggregate classification (germline): Conflicting classifications of pathogenicity. Review status: criteria provided, conflicting classifications (1 of 4 stars). 4 submissions from 4 submitters: Uncertain significance (1); Benign (1); Likely benign (2). Last evaluated 2024-11-19.

Conditions:
Primary ciliary dyskinesia 5. Also called: CILIARY DYSKINESIA, PRIMARY, 5, WITHOUT SITUS INVERSUS. Identifiers: Orphanet 244, MedGen C1837615, MONDO:0012088, OMIM 608647.

Allele frequency attached by ClinVar (database versions not stated): gnomAD 0.00208 and 0.00270; ESP Exome Variant Server 0.00238; TOPMed 0.00258; gnomAD exomes 0.00409 and 0.00426; ExAC 0.00474; 1000 Genomes Project 30x 0.00547; 1000 Genomes Project 0.00559.
gnomAD v4.1: 6,425 of 1,613,950 alleles (0.4%); highest among the groups gnomAD compares: South Asian, 1.5%; 43 homozygotes.

Submissions (4):

Blueprint Genetics
Classification: Likely benign. Last evaluated: 2024-11-19. Review status: criteria provided, single submitter. Criteria: ACMG Guidelines, 2015. Collection method: clinical testing. Allele origin: germline.

CeGaT Center for Human Genetics Tuebingen
Classification: Benign. Last evaluated: 2024-09-01. Review status: criteria provided, single submitter. Criteria: CeGaT Center For Human Genetics Tuebingen Variant Classification Criteria Version 2. Collection method: clinical testing. Allele origin: germline. Affected: yes. Observed: 3 variant alleles.
Comment: HYDIN: BP4, BS1, BS2

Genetics and Molecular Pathology, SA Pathology
Classification: Uncertain significance for Primary ciliary dyskinesia 5. Last evaluated: 2019-10-03. Review status: criteria provided, single submitter. Criteria: ACMG Guidelines, 2015. Collection method: clinical testing. Allele origin: germline. Inheritance: Autosomal recessive inheritance. Affected: yes.

Center for Pediatric Genomic Medicine, Children's Mercy Hospital and Clinics
Classification: Likely benign. Last evaluated: 2017-05-30. Review status: criteria provided, single submitter. Criteria: ACMG Guidelines, 2015. Collection method: clinical testing. Allele origin: germline.